The following is an entry in ClinVar:

NM_001082486.2(ACD):c.853A>G (p.Met285Val)

Gene: ACD (ACD shelterin complex subunit and telomerase recruitment factor; minus strand). Cytogenetic location: 16q22.1.
Variant type: single nucleotide variant.
Coding change: c.853A>G on transcript NM_001082486.2 (MANE Select); coding-DNA position 853, A replaced by G.
Protein change: p.Met285Val; replaces methionine 285 with valine.
Molecular consequence: missense variant.
Genome position (GRCh38, 1-based): chr16:67,658,339, T>C on the plus strand (A>G on the coding strand, the complement: ACD is on the minus strand). VCF-style: chr16-67658339-T-C. GRCh37 (hg19) VCF-style: chr16-67692242-T-C.
Other names: c.844A>G, p.Met282Val (NM_022914.3); short protein forms M282V, M285V.
Identifiers: ClinVar variation 850054 (VCV000850054.15), dbSNP rs780951085, ClinGen allele CA8114492.
Genomic context (GRCh38, chr16:67,658,339, plus strand): 5'-GAGCAGCCAAGGACAGGGCAGGCAGAAGGCTGATGCTGGTACCACTTTCCTCGGATGACA[T>C]GTGGCCGGGTAAGGCCGGGGTTCCTGAGGAGGAGGGGACTTATTGTAGGCACAGCCCTCT-3'
Protein context (NP_001075955.2, residues 275-295): SSGTPALPGH[Met285Val]SSEESGTSIS

ClinVar aggregate classification (germline): Uncertain significance. Review status: criteria provided, multiple submitters, no conflicts (2 of 4 stars). 3 submissions from 3 submitters: Uncertain significance (3). Last evaluated 2025-12-29.

Conditions:
Inborn genetic diseases. Identifiers: MedGen C0950123, MeSH D030342.
Dyskeratosis congenita, autosomal dominant 6 (DKCA6). Identifiers: Orphanet 3322, MedGen C4225284, MONDO:0014690, OMIM 616553.

Allele frequency attached by ClinVar (database versions not stated): ExAC 0.00002; gnomAD 0.00002; gnomAD exomes 0.00003 and 0.00005; TOPMed 0.00004.

Submissions (3):

Center for Genomic Medicine, Rigshospitalet, Copenhagen University Hospital
Classification: Uncertain significance. Last evaluated: 2025-12-29. Review status: criteria provided, single submitter. Criteria: ACMG Guidelines, 2015. Collection method: clinical testing. Allele origin: germline.

Labcorp Genetics (formerly Invitae), Labcorp
Classification: Uncertain significance for Dyskeratosis congenita, autosomal dominant 6. Last evaluated: 2025-07-13. Review status: criteria provided, single submitter. Criteria: Invitae Variant Classification Sherloc (09022015). Collection method: clinical testing. Allele origin: germline.
Comment: This sequence change replaces methionine, which is neutral and non-polar, with valine, which is neutral and non-polar, at codon 371 of the ACD protein (p.Met371Val). This variant is present in population databases (rs780951085, gnomAD 0.007%). This missense change has been observed in individual(s) with clinical features of ACD-related conditions (PMID: 37944684). ClinVar contains an entry for this variant (Variation ID: 850054). Invitae Evidence Modeling of protein sequence and biophysical properties (such as structural, functional, and spatial information, amino acid conservation, physicochemical variation, residue mobility, and thermodynamic stability) indicates that this missense variant is not expected to disrupt ACD protein function with a negative predictive value of 80%. In summary, the available evidence is currently insufficient to determine the role of this variant in disease. Therefore, it has been classified as a Variant of Uncertain Significance.

Ambry Genetics
Classification: Uncertain significance for Inborn genetic diseases. Last evaluated: 2023-03-13. Review status: criteria provided, single submitter. Criteria: Ambry Variant Classification Scheme 2023. Collection method: clinical testing. Allele origin: germline.

Literature cited by the submitters: PubMed 37944684 (cited by Labcorp Genetics (formerly Invitae), Labcorp).